The following is an entry in ClinVar:

ClinVar aggregate classification (germline): Uncertain significance. Review status: criteria provided, multiple submitters, no conflicts (2 of 4 stars). 3 submissions from 3 submitters: Uncertain significance (3). Last evaluated 2025-11-12.

Conditions:
Hereditary cancer-predisposing syndrome. Also called: Hereditary neoplastic syndrome; Hereditary Cancer Syndrome; Neoplastic Syndromes, Hereditary; Tumor predisposition. Identifiers: Orphanet 140162, MedGen C0027672, MeSH D009386, MONDO:0015356.

Allele frequency attached by ClinVar (database versions not stated): 1000 Genomes Project 30x 0.00016; 1000 Genomes Project 0.00020.

Submissions (3):

Ambry Genetics
Classification: Uncertain significance for Hereditary cancer-predisposing syndrome. Last evaluated: 2025-11-12. Review status: criteria provided, single submitter. Criteria: Ambry Variant Classification Scheme 2023. Collection method: clinical testing. Allele origin: germline.
Comment: The p.T764I variant (also known as c.2291C>T), located in coding exon 4 of the MSH6 gene, results from a C to T substitution at nucleotide position 2291. The threonine at codon 764 is replaced by isoleucine, an amino acid with similar properties. This amino acid position is not well conserved in available vertebrate species. In addition, the in silico prediction for this alteration is inconclusive. Based on the available evidence, the clinical significance of this variant remains unclear.

Center for Genomic Medicine, Rigshospitalet, Copenhagen University Hospital
Classification: Uncertain significance. Last evaluated: 2025-03-04. Review status: criteria provided, single submitter. Criteria: ACMG Guidelines, 2015. Collection method: clinical testing. Allele origin: germline.

GeneDx
Classification: Uncertain significance. Last evaluated: 2016-01-27. Review status: criteria provided, single submitter. Criteria: GeneDx Variant Classification (06012015). Collection method: clinical testing. Allele origin: germline. Affected: yes.
Comment: This variant is denoted MSH6 c.2291C>T at the cDNA level, p.Thr764Ile (T764I) at the protein level, and results in the change of a Threonine to an Isoleucine (ACT>ATT). This variant has not, to our knowledge, been published in the literature as either a pathogenic germline variant or a benign polymorphism. However, it has been reported as a somatic variant in a colorectal tumor (Elsayed 2014). MSH6 Thr764Ile was not observed at a significant allele frequency in the NHLBI Exome Sequencing Project. Since Threonine and Isoleucine differ in polarity, charge, size or other properties, this is considered a non-conservative amino acid substitution. MSH6 Thr764Ile occurs at a position where amino acids with properties similar to Threonine are tolerated across species and is located in the MutS domain III (Terui 2013). In silico analyses are inconsistent regarding the effect this variant may have on protein structure and function. Based on currently available evidence, it is unclear whether MSH6 Thr764Ile is a pathogenic or benign variant. We consider it to be a variant of uncertain significance.

NM_000179.3(MSH6):c.2291C>T (p.Thr764Ile)

Gene: MSH6 (mutS homolog 6; plus strand). Cytogenetic location: 2p16.3.
Variant type: single nucleotide variant.
Coding change: c.2291C>T on transcript NM_000179.3 (MANE Select); coding-DNA position 2291, C replaced by T.
Protein change: p.Thr764Ile; replaces threonine 764 with isoleucine.
Molecular consequence: missense variant.
Genome position (GRCh38, 1-based): chr2:47,800,274, C>T. VCF-style: chr2-47800274-C-T. GRCh37 (hg19) VCF-style: chr2-48027413-C-T.
Other names: c.1901C>T, p.Thr634Ile (NM_001281492.2); c.1385C>T, p.Thr462Ile (NM_001281493.2, NM_001281494.2); short protein forms T764I, T634I, T462I.
Identifiers: ClinVar variation 234795 (VCV000234795.14), dbSNP rs561198849, ClinGen allele CA10577273.